The following is an entry in ClinVar:

ClinVar aggregate classification (germline): Likely benign. Review status: criteria provided, multiple submitters, no conflicts (2 of 4 stars). 3 submissions from 3 submitters: Likely benign (3). Last evaluated 2025-11-24.

Conditions:
Hereditary cancer-predisposing syndrome. Also called: Hereditary Cancer Syndrome; Neoplastic Syndromes, Hereditary; Tumor predisposition; Hereditary neoplastic syndrome. Identifiers: Orphanet 140162, MedGen C0027672, MeSH D009386, MONDO:0015356.

Allele frequency attached by ClinVar (database versions not stated): gnomAD 0.00001; TOPMed 0.00001; gnomAD exomes 0.00003; ExAC 0.00004.
gnomAD v4.1: 12 of 1,613,358 alleles (0.00074%); highest among the groups gnomAD compares: East Asian, 0.022%; no homozygotes.

Submissions (3):

Labcorp Genetics (formerly Invitae), Labcorp
Classification: Likely benign. Last evaluated: 2025-11-24. Review status: criteria provided, single submitter. Criteria: Invitae Variant Classification Sherloc (09022015). Collection method: clinical testing. Allele origin: germline.

Ambry Genetics
Classification: Likely benign for Hereditary cancer-predisposing syndrome. Last evaluated: 2018-12-27. Review status: criteria provided, single submitter. Criteria: Ambry Variant Classification Scheme 2023. Collection method: clinical testing. Allele origin: germline.

GeneDx
Classification: Likely benign. Last evaluated: 2018-01-20. Review status: criteria provided, single submitter. Criteria: GeneDx Variant Classification (06012015). Collection method: clinical testing. Allele origin: germline. Affected: yes.
Comment: This variant is considered likely benign or benign based on one or more of the following criteria: it is a conservative change, it occurs at a poorly conserved position in the protein, it is predicted to be benign by multiple in silico algorithms, and/or has population frequency not consistent with disease.

NM_006231.4(POLE):c.2463C>T (p.Arg821=)

Gene: POLE (DNA polymerase epsilon, catalytic subunit; minus strand). Cytogenetic location: 12q24.33.
Variant type: single nucleotide variant.
Coding change: c.2463C>T on transcript NM_006231.4 (MANE Select); coding-DNA position 2463, C replaced by T.
Protein change: p.Arg821=; no amino-acid change (arginine 821 retained).
Molecular consequence: synonymous variant.
Genome position (GRCh38, 1-based): chr12:132,665,307, G>A on the plus strand (C>T on the coding strand, the complement: POLE is on the minus strand). VCF-style: chr12-132665307-G-A. GRCh37 (hg19) VCF-style: chr12-133241893-G-A.
Identifiers: ClinVar variation 515059 (VCV000515059.14), dbSNP rs751392565, ClinGen allele CA6893556.